The following is an entry in ClinVar:

ClinVar aggregate classification (germline): Uncertain significance (1 of 4 stars; one submission).

Allele frequency attached by ClinVar (database versions not stated): gnomAD exomes below 0.00001; ExAC 0.00001.
gnomAD v4.1: 1 of 1,614,194 alleles (0.000062%); highest among the groups gnomAD compares: South Asian, 0.0011%; no homozygotes.

Submission:

Labcorp Genetics (formerly Invitae), Labcorp
Classification: Uncertain significance. Last evaluated: 2020-04-13. Review status: criteria provided, single submitter. Criteria: Invitae Variant Classification Sherloc (09022015). Collection method: clinical testing. Allele origin: germline.
Comment: This sequence change replaces leucine with arginine at codon 1455 of the POLE protein (p.Leu1455Arg). The leucine residue is highly conserved and there is a moderate physicochemical difference between leucine and arginine. In summary, the available evidence is currently insufficient to determine the role of this variant in disease. Therefore, it has been classified as a Variant of Uncertain Significance. Algorithms developed to predict the effect of missense changes on protein structure and function are either unavailable or do not agree on the potential impact of this missense change (SIFT: "Deleterious"; PolyPhen-2: "Benign"; Align-GVGD: "Class C65"). This variant has not been reported in the literature in individuals with POLE-related conditions. This variant is present in population databases (rs745952351, ExAC 0.006%).

NM_006231.4(POLE):c.4364T>G (p.Leu1455Arg)

Gene: POLE (DNA polymerase epsilon, catalytic subunit; minus strand). Cytogenetic location: 12q24.33.
Variant type: single nucleotide variant.
Coding change: c.4364T>G on transcript NM_006231.4 (MANE Select); coding-DNA position 4364, T replaced by G.
Protein change: p.Leu1455Arg; replaces leucine 1455 with arginine.
Molecular consequence: missense variant.
Genome position (GRCh38, 1-based): chr12:132,643,487, A>C on the plus strand (T>G on the coding strand, the complement: POLE is on the minus strand). VCF-style: chr12-132643487-A-C. GRCh37 (hg19) VCF-style: chr12-133220073-A-C.
Other names: short protein forms L1455R.
Identifiers: ClinVar variation 1045095 (VCV001045095.8), dbSNP rs745952351, ClinGen allele CA6892874.